The following is an entry in ClinVar:

NM_000038.6(APC):c.583C>T (p.Gln195Ter)

Gene: APC (APC regulator of Wnt signaling pathway; plus strand). Cytogenetic location: 5q22.2.
Variant type: single nucleotide variant.
Coding change: c.583C>T on transcript NM_000038.6 (MANE Select); coding-DNA position 583, C replaced by T.
Protein change: p.Gln195Ter; replaces glutamine 195 with a stop codon.
Molecular consequence: nonsense. On other transcripts: 5 prime UTR variant (1).
Genome position (GRCh38, 1-based): chr5:112,780,841, C>T. VCF-style: chr5-112780841-C-T. GRCh37 (hg19) VCF-style: chr5-112116538-C-T.
Other names: c.508C>T, p.Gln170Ter (NM_001354898.2, NM_001354904.2); c.583C>T, p.Gln195Ter (NM_001354899.2, NM_001354903.2, NM_001127510.3 and 2 more transcripts); c.406C>T, p.Gln136Ter (NM_001354900.2, NM_001354901.2, NM_001354905.2); c.613C>T, p.Gln205Ter (NM_001354902.2, NM_001127511.3, NM_001354897.2); c.-453C>T (NM_001354906.2); short protein forms Q195*, Q205*, Q170*, Q136*.
Identifiers: ClinVar variation 419992 (VCV000419992.17), dbSNP rs749479682, ClinGen allele CA16022611.
Genomic context (GRCh38, chr5:112,780,841, plus strand): 5'-TGGTTTTAGTTTTCCTTACAAACAGATATGACCAGAAGGCAATTGGAATATGAAGCAAGG[C>T]AAATCAGAGTTGCGATGGAAGAACAACTAGGTACCTGCCAGGATATGGAAAAACGAGCAC-3'

ClinVar aggregate classification (germline): Pathogenic. Review status: criteria provided, multiple submitters, no conflicts (2 of 4 stars). 5 submissions from 5 submitters: Pathogenic (5). Last evaluated 2023-04-26.

Conditions:
Hereditary cancer-predisposing syndrome. Also called: Hereditary neoplastic syndrome; Tumor predisposition; Neoplastic Syndromes, Hereditary; Hereditary Cancer Syndrome. Identifiers: Orphanet 140162, MedGen C0027672, MeSH D009386, MONDO:0015356.
Familial adenomatous polyposis 1 (FAP1). Also called: FAMILIAL ADENOMATOUS POLYPOSIS 1, ATTENUATED; POLYPOSIS, ADENOMATOUS INTESTINAL. Identifiers: MedGen C2713442, MONDO:0021056, OMIM 175100. Disease mechanism: loss of function.

Submissions (5):

Myriad Genetics, Inc.
Classification: Pathogenic for Familial adenomatous polyposis 1. Last evaluated: 2023-04-26. Review status: criteria provided, single submitter. Criteria: Myriad Autosomal Dominant, Autosomal Recessive and X-Linked Classification Criteria (2023). Collection method: clinical testing. Allele origin: unknown.
Comment: This variant is considered pathogenic. This variant creates a termination codon and is predicted to result in premature protein truncation.

Ambry Genetics
Classification: Pathogenic for Hereditary cancer-predisposing syndrome. Last evaluated: 2021-12-10. Review status: criteria provided, single submitter. Criteria: Ambry Variant Classification Scheme 2023. Collection method: clinical testing. Allele origin: germline.
Comment: The p.Q195* pathogenic mutation (also known as c.583C>T), located in coding exon 5 of the APC gene, results from a C to T substitution at nucleotide position 583. This changes the amino acid from a glutamine to a stop codon within coding exon 5. This alteration has been reported in an Israeli polyposis cohort (Gavert N et al. Hum Mutat, 2002 Jun;19:664). This variant is considered to be rare based on population cohorts in the Genome Aggregation Database (gnomAD). In addition to the clinical data presented in the literature, this alteration is expected to result in loss of function by premature protein truncation or nonsense-mediated mRNA decay. As such, this alteration is interpreted as a disease-causing mutation.

Labcorp Genetics (formerly Invitae), Labcorp
Classification: Pathogenic for Familial adenomatous polyposis 1. Last evaluated: 2019-11-18. Review status: criteria provided, single submitter. Criteria: Invitae Variant Classification Sherloc (09022015). Collection method: clinical testing. Allele origin: germline.
Comment: For these reasons, this variant has been classified as Pathogenic. Loss-of-function variants in APC are known to be pathogenic (PMID: 17963004, 20685668). Algorithms developed to predict the effect of sequence changes on RNA splicing suggest that this variant may create or strengthen a splice site, but this prediction has not been confirmed by published transcriptional studies. This variant has been observed in individual(s) with familial adenomatous polyposis (PMID: 12007223, 16111973). ClinVar contains an entry for this variant (Variation ID: 419992). This variant is not present in population databases (ExAC no frequency). This sequence change creates a premature translational stop signal (p.Gln195*) in the APC gene. It is expected to result in an absent or disrupted protein product.

GeneDx
Classification: Pathogenic. Last evaluated: 2016-11-10. Review status: criteria provided, single submitter. Criteria: GeneDx Variant Classification (06012015). Collection method: clinical testing. Allele origin: germline. Affected: yes.
Comment: This variant is denoted APC c.583C>T at the cDNA level and p.Gln195Ter (Q195X) at the protein level. The substitution creates a nonsense variant, which changes a Glutamine to a premature stop codon (CAA>TAA), and is predicted to cause loss of normal protein function through either protein truncation or nonsense-mediated mRNA decay. This variant has been reported in individuals with histories consistent with Familial Adenomatous Polyposis (Gavert 2002, Barkay 2005). We consider this variant to be pathogenic.

Quest Diagnostics Nichols Institute San Juan Capistrano
Classification: Pathogenic. Last evaluated: 2016-08-09. Review status: criteria provided, single submitter. Criteria: Quest Diagnostics criteria. Collection method: clinical testing. Allele origin: germline.

Literature cited by the submitters: PubMed 12007223 (cited by 3 submitters); PubMed 17963004 (cited by Labcorp Genetics (formerly Invitae), Labcorp); PubMed 20685668 (cited by Labcorp Genetics (formerly Invitae), Labcorp); PubMed 16111973 (cited by Labcorp Genetics (formerly Invitae), Labcorp and Quest Diagnostics Nichols Institute San Juan Capistrano).